The following is an entry in ClinVar:

NM_021072.4(HCN1):c.1618G>C (p.Glu540Gln)

Gene: HCN1 (hyperpolarization activated cyclic nucleotide gated potassium channel 1; minus strand). Cytogenetic location: 5p12.
Variant type: single nucleotide variant.
Coding change: c.1618G>C on transcript NM_021072.4 (MANE Select); coding-DNA position 1618, G replaced by C.
Protein change: p.Glu540Gln; replaces glutamic acid 540 with glutamine.
Molecular consequence: missense variant.
Genome position (GRCh38, 1-based): chr5:45,303,599, C>G on the plus strand (G>C on the coding strand, the complement: HCN1 is on the minus strand). VCF-style: chr5-45303599-C-G. GRCh37 (hg19) VCF-style: chr5-45303701-C-G.
Other names: short protein forms E540Q.
Identifiers: ClinVar variation 3372859 (VCV003372859.1).

ClinVar aggregate classification (germline): Uncertain significance (1 of 4 stars; one submission).

Submission:

GeneDx
Classification: Uncertain significance. Last evaluated: 2024-04-24. Review status: criteria provided, single submitter. Criteria: GeneDx Variant Classification Process June 2021. Collection method: clinical testing. Allele origin: germline. Affected: yes.
Comment: Not observed at significant frequency in large population cohorts (gnomAD); In silico analysis supports that this missense variant has a deleterious effect on protein structure/function; Has not been previously published as pathogenic or benign to our knowledge